The following is an entry in ClinVar:

ClinVar aggregate classification (germline): Uncertain significance (1 of 4 stars; one submission).

gnomAD v4.1: 3 of 1,211,263 alleles (0.00025%); highest among the groups gnomAD compares: Non-Finnish European, 0.00034%; no homozygotes.

Submission:

GeneDx
Classification: Uncertain significance. Last evaluated: 2024-06-04. Review status: criteria provided, single submitter. Criteria: GeneDx Variant Classification Process June 2021. Collection method: clinical testing. Allele origin: germline. Affected: yes.
Comment: Not observed at significant frequency in large population cohorts (gnomAD); In silico analysis supports that this missense variant has a deleterious effect on protein structure/function; Has not been previously published as pathogenic or benign to our knowledge

NM_201599.3(ZMYM3):c.980G>A (p.Arg327His)

Gene: ZMYM3 (zinc finger MYM-type containing 3; minus strand). Cytogenetic location: Xq13.1.
Variant type: single nucleotide variant.
Coding change: c.980G>A on transcript NM_201599.3 (MANE Select); coding-DNA position 980, G replaced by A.
Protein change: p.Arg327His; replaces arginine 327 with histidine.
Molecular consequence: missense variant.
Genome position (GRCh38, 1-based): chrX:71,250,525, C>T on the plus strand (G>A on the coding strand, the complement: ZMYM3 is on the minus strand). VCF-style: chrX-71250525-C-T. GRCh37 (hg19) VCF-style: chrX-70470375-C-T.
Other names: c.980G>A, p.Arg327His (NM_001171162.1, NM_001171163.1, NM_005096.3); short protein forms R327H.
Identifiers: ClinVar variation 3384567 (VCV003384567.1).